The following is an entry in ClinVar:

ClinVar aggregate classification (germline): Uncertain significance (1 of 4 stars; one submission).

Allele frequency attached by ClinVar (database versions not stated): TOPMed below 0.00001; gnomAD 0.00001.
gnomAD v4.1: 1 of 1,608,404 alleles (0.000062%); highest among the groups gnomAD compares: Non-Finnish European, 0.000085%; no homozygotes.

Submission:

Ambry Genetics
Classification: Uncertain significance. Last evaluated: 2024-02-02. Review status: criteria provided, single submitter. Criteria: Ambry Variant Classification Scheme 2023. Collection method: clinical testing. Allele origin: germline.
Comment: The p.S423R variant (also known as c.1267A>C), located in coding exon 5 of the PALLD gene, results from an A to C substitution at nucleotide position 1267. The serine at codon 423 is replaced by arginine, an amino acid with dissimilar properties. This amino acid position is conserved. In addition, this alteration is predicted to be deleterious by in silico analysis. Based on the available evidence, the clinical significance of this alteration remains unclear.

NM_001166108.2(PALLD):c.1267A>C (p.Ser423Arg)

Gene: PALLD (palladin, cytoskeletal associated protein; plus strand). Cytogenetic location: 4q32.3.
Variant type: single nucleotide variant.
Coding change: c.1267A>C on transcript NM_001166108.2 (MANE Select); coding-DNA position 1267, A replaced by C.
Protein change: p.Ser423Arg; replaces serine 423 with arginine.
Molecular consequence: missense variant.
Genome position (GRCh38, 1-based): chr4:168,685,491, A>C. VCF-style: chr4-168685491-A-C. GRCh37 (hg19) VCF-style: chr4-169606642-A-C.
Other names: c.121A>C, p.Ser41Arg (NM_001166109.2); c.1267A>C, p.Ser423Arg (NM_016081.4); short protein forms S41R, S423R.
Identifiers: ClinVar variation 3226722 (VCV003226722.1), dbSNP rs1781942769, ClinGen allele CA358794390.